The following is an entry in ClinVar:

ClinVar aggregate classification (germline): Uncertain significance. Review status: criteria provided, multiple submitters, no conflicts (2 of 4 stars). 2 submissions from 2 submitters: Uncertain significance (2). Last evaluated 2025-03-26.

Conditions:
SORCS3-related disorder. Also called: SORCS3-related condition.

Allele frequency attached by ClinVar (database versions not stated): gnomAD 0.00002; gnomAD exomes 0.00002; TOPMed 0.00002.
gnomAD v4.1: 24 of 1,467,442 alleles (0.0016%); highest among the groups gnomAD compares: Middle Eastern, 0.023%; no homozygotes.

Submissions (2):

PreventionGenetics, part of Exact Sciences
Classification: Uncertain significance for SORCS3-related condition. Last evaluated: 2025-03-26. Review status: criteria provided, single submitter. Criteria: ACMG Guidelines, 2015. Collection method: clinical testing. Allele origin: germline.
Comment: The SORCS3 c.152C>T variant is predicted to result in the amino acid substitution p.Ser51Leu. To our knowledge, this variant has not been reported in the literature. This variant is reported in 0.0063% of alleles in individuals of South Asian descent in gnomAD. At this time, the clinical significance of this variant is uncertain due to the absence of conclusive functional and genetic evidence.

Ambry Genetics
Classification: Uncertain significance. Last evaluated: 2022-12-16. Review status: criteria provided, single submitter. Criteria: Ambry Variant Classification Scheme 2023. Collection method: clinical testing. Allele origin: germline.

NM_014978.3(SORCS3):c.152C>T (p.Ser51Leu)

Gene: SORCS3 (sortilin related VPS10 domain containing receptor 3; plus strand). Cytogenetic location: 10q25.1.
Variant type: single nucleotide variant.
Coding change: c.152C>T on transcript NM_014978.3 (MANE Select); coding-DNA position 152, C replaced by T.
Protein change: p.Ser51Leu; replaces serine 51 with leucine.
Molecular consequence: missense variant.
Genome position (GRCh38, 1-based): chr10:104,641,479, C>T. VCF-style: chr10-104641479-C-T. GRCh37 (hg19) VCF-style: chr10-106401237-C-T.
Other names: c.152C>T (NM_014978.2); short protein forms S51L.
Identifiers: ClinVar variation 2336279 (VCV002336279.3), dbSNP rs1248897947, ClinGen allele CA378217455.